The following is an entry in ClinVar:

ClinVar aggregate classification (germline): Benign. Review status: criteria provided, multiple submitters, no conflicts (2 of 4 stars). 3 submissions from 3 submitters: Benign (2). 1 of the submissions does not count toward it. Last evaluated 2017-08-03.

Conditions:
CEP170B-related disorder. Also called: CEP170B-related condition.

Allele frequency attached by ClinVar (database versions not stated): ESP Exome Variant Server 0.00838; TOPMed 0.00842; 1000 Genomes Project 0.00819; 1000 Genomes Project 30x 0.00843; ExAC 0.00285; gnomAD 0.00754 and 0.00810; gnomAD exomes 0.00153 and 0.00263.
gnomAD v4.1: 3,381 of 1,611,214 alleles (0.21%); highest among the groups gnomAD compares: African/African-American, 2.5%; 29 homozygotes.

Submissions (3):

Labcorp Genetics (formerly Invitae), Labcorp
Classification: Benign. Last evaluated: 2017-08-03. Review status: criteria provided, single submitter. Criteria: Invitae Variant Classification Sherloc (09022015). Collection method: clinical testing. Allele origin: germline.

Breakthrough Genomics
Classification: Benign. Review status: criteria provided, single submitter. Criteria: ACMG Guidelines, 2015. Collection method: not provided. Allele origin: germline. Inheritance: Unknown mechanism. Affected: yes.

PreventionGenetics, part of Exact Sciences
Classification: Benign for CEP170B-related condition. Last evaluated: 2019-07-01. Review status: no assertion criteria provided. Collection method: clinical testing. Allele origin: germline. Not counted in ClinVar's aggregate classification.
Comment: This variant is classified as benign based on ACMG/AMP sequence variant interpretation guidelines (Richards et al. 2015 PMID: 25741868, with internal and published modifications).

NM_001112726.3(CEP170B):c.776C>T (p.Ala259Val)

Gene: CEP170B (centrosomal protein 170B; plus strand). Cytogenetic location: 14q32.33.
Variant type: single nucleotide variant.
Coding change: c.776C>T on transcript NM_001112726.3 (MANE Select); coding-DNA position 776, C replaced by T.
Protein change: p.Ala259Val; replaces alanine 259 with valine.
Molecular consequence: missense variant.
Genome position (GRCh38, 1-based): chr14:104,883,233, C>T. VCF-style: chr14-104883233-C-T. GRCh37 (hg19) VCF-style: chr14-105349570-C-T.
Other names: c.566C>T, p.Ala189Val (NM_015005.3); short protein forms A189V, A259V.
Identifiers: ClinVar variation 781153 (VCV000781153.6), dbSNP rs41304371, ClinGen allele CA7375410.
Genomic context (GRCh38, chr14:104,883,233, plus strand): 5'-CCCCCGAGGTGCCGGCACACGAGATGCCCACGAAGGATGCAGAGGCAGGTGGGGGCGGAG[C>T]GGCCCCTGTGGTGCAGAGCCACGCCTCCTTCACCATCGAGTTTGATGACTGCAGCCCTGG-3'
Protein context (NP_001106197.1, residues 249-269): TKDAEAGGGG[Ala259Val]APVVQSHASF